The following is an entry in ClinVar:

NM_004006.3(DMD):c.5740-5A>G

Gene: DMD (dystrophin; minus strand). Cytogenetic location: Xp21.1.
Variant type: single nucleotide variant.
Coding change: c.5740-5A>G on transcript NM_004006.3 (MANE Select); 5 bases into the intron before coding-DNA position 5740, A replaced by G.
Molecular consequence: intron variant.
Genome position (GRCh38, 1-based): chrX:32,342,287, T>C on the plus strand (A>G on the coding strand, the complement: DMD is on the minus strand). VCF-style: chrX-32342287-T-C. GRCh37 (hg19) VCF-style: chrX-32360404-T-C.
Other names: c.5716-5A>G (NM_000109.4); c.1717-5A>G (NM_004011.4); c.1708-5A>G (NM_004012.4); c.5728-5A>G (NM_004009.3); c.5371-5A>G (NM_004010.3).
Identifiers: ClinVar variation 501827 (VCV000501827.16), dbSNP rs202014758, ClinGen allele CA327981730.
Genomic context (GRCh38, chrX:32,342,287, plus strand): 5'-TGCCTACGCACTGCATTCAGCTCCTCTTTCTTCTTCTGCAATTCCCGATCAATTTCCTAT[T>C]GAGCAAAACCAATACAGGGCCCAGGGCAGTTAGCTAACCACATCAACCGACTTGCAAGCA-3'

ClinVar aggregate classification (germline): Conflicting classifications of pathogenicity. Review status: criteria provided, conflicting classifications (1 of 4 stars). 3 submissions from 3 submitters: Uncertain significance (2); Likely benign (1). Last evaluated 2024-03-20.

Conditions:
Duchenne muscular dystrophy (DMD). Also called: MUSCULAR DYSTROPHY, PSEUDOHYPERTROPHIC PROGRESSIVE, DUCHENNE TYPE; Duchenne Muscular Dystrophy (DMD). Identifiers: Orphanet 98896, MedGen C0013264, MONDO:0010679, OMIM 310200.
Cardiovascular phenotype. Identifiers: MedGen CN230736.

Allele frequency attached by ClinVar (database versions not stated): gnomAD exomes below 0.00001 and 0.00001; TOPMed 0.00002; gnomAD 0.00003 and 0.00004; 1000 Genomes Project 30x 0.00021; 1000 Genomes Project 0.00026.
gnomAD v4.1: 6 of 1,209,162 alleles (0.0005%); highest among the groups gnomAD compares: Non-Finnish European, 0.00067%; no homozygotes.

Submissions (3):

Labcorp Genetics (formerly Invitae), Labcorp
Classification: Likely benign for Duchenne muscular dystrophy. Last evaluated: 2024-03-20. Review status: criteria provided, single submitter. Criteria: Invitae Variant Classification Sherloc (09022015). Collection method: clinical testing. Allele origin: germline.

Ambry Genetics
Classification: Uncertain significance for Cardiovascular phenotype. Last evaluated: 2020-10-30. Review status: criteria provided, single submitter. Criteria: Ambry Variant Classification Scheme 2023. Collection method: clinical testing. Allele origin: germline.
Comment: The c.5740-5A>G intronic variant results from an A to G substitution 5 nucleotides upstream from coding exon 41 in the DMD gene. Based on data from gnomAD, the G allele has an overall frequency of 0.0005% (1/181465) total alleles studied, with no hemizygote(s) observed. The highest observed frequency was 0.001% (1/80707) of non-Finnish European alleles. This nucleotide position is highly conserved in available vertebrate species. In silico splice site analysis predicts that this alteration will not have any significant effect on splicing. Since supporting evidence is limited at this time, the clinical significance of this alteration remains unclear.

Eurofins Ntd Llc (ga)
Classification: Uncertain significance. Last evaluated: 2017-05-04. Review status: criteria provided, single submitter. Criteria: EGL Classification Definitions 2015. Collection method: clinical testing. Allele origin: germline. Observed: 1 variant allele, 1 heterozygote.